The following is an entry in ClinVar:

ClinVar aggregate classification (germline): Uncertain significance (1 of 4 stars; one submission).

Conditions:
Tuberous sclerosis 1 (TSC1). Identifiers: Orphanet 805, MedGen C1854465, MONDO:0008612, OMIM 191100.

Submission:

Labcorp Genetics (formerly Invitae), Labcorp
Classification: Uncertain significance for Tuberous sclerosis 1. Last evaluated: 2021-05-26. Review status: criteria provided, single submitter. Criteria: Invitae Variant Classification Sherloc (09022015). Collection method: clinical testing. Allele origin: germline.
Comment: In summary, the available evidence is currently insufficient to determine the role of this variant in disease. Therefore, it has been classified as a Variant of Uncertain Significance. Experimental studies and prediction algorithms are not available or were not evaluated, and the functional significance of this variant is currently unknown. This variant has not been reported in the literature in individuals with TSC1-related conditions. This variant is not present in population databases (ExAC no frequency). This variant, c.2052_2054del, results in the deletion of 1 amino acid(s) of the TSC1 protein (p.Ser685del), but otherwise preserves the integrity of the reading frame.

NM_000368.5(TSC1):c.2052_2054del (p.Ser685del)

Gene: TSC1 (TSC complex subunit 1; minus strand). Cytogenetic location: 9q34.13.
Variant type: Deletion.
Coding change: c.2052_2054del on transcript NM_000368.5 (MANE Select); coding-DNA positions 2052 to 2054, 3 bases deleted (TTC; older notation c.2052_2054delTTC).
Protein change: p.Ser685del; deletes serine 685.
Molecular consequence: inframe deletion.
Genome position (GRCh38, 1-based): chr9:132,903,805-132,903,807, GAA deleted on the plus strand (TTC on the coding strand, the reverse complement: TSC1 is on the minus strand); deleting any 3 consecutive bases within chr9:132,903,805-132,903,808 gives the same sequence; the c. name uses the placement nearest the transcript's 3' end. VCF-style (leftmost placement, unchanged base first): chr9-132903804-TGAA-T. GRCh37 (hg19) VCF-style: chr9-135779191-TGAA-T.
Other names: c.2049_2051del, p.Ser684del (NM_001162426.2); c.1899_1901del, p.Ser634del (NM_001162427.2); c.1689_1691del, p.Ser564del (NM_001362177.2); short protein forms S634del, S684del, S564del, S685del.
Identifiers: ClinVar variation 1463110 (VCV001463110.8), dbSNP rs2131774168, ClinGen allele CA2573144248.